The following is an entry in ClinVar:

ClinVar aggregate classification (germline): Uncertain significance. Review status: criteria provided, multiple submitters, no conflicts (2 of 4 stars). 2 submissions from 2 submitters: Uncertain significance (2). Last evaluated 2023-06-30.

Conditions:
Charcot-Marie-Tooth disease type 2. Also called: Charcot-Marie-Tooth type 2. Identifiers: Orphanet 64746, MedGen C0270914, MONDO:0018993.

Allele frequency attached by ClinVar (database versions not stated): gnomAD exomes 0.00001; TOPMed 0.00001; gnomAD 0.00001; ExAC 0.00002.
gnomAD v4.1: 11 of 1,614,014 alleles (0.00068%); highest among the groups gnomAD compares: East Asian, 0.0045%; no homozygotes.

Submissions (2):

Labcorp Genetics (formerly Invitae), Labcorp
Classification: Uncertain significance for Charcot-Marie-Tooth disease type 2. Last evaluated: 2023-06-30. Review status: criteria provided, single submitter. Criteria: Invitae Variant Classification Sherloc (09022015). Collection method: clinical testing. Allele origin: germline.
Comment: In summary, the available evidence is currently insufficient to determine the role of this variant in disease. Therefore, it has been classified as a Variant of Uncertain Significance. Advanced modeling of protein sequence and biophysical properties (such as structural, functional, and spatial information, amino acid conservation, physicochemical variation, residue mobility, and thermodynamic stability) performed at Invitae indicates that this missense variant is expected to disrupt GARS protein function. ClinVar contains an entry for this variant (Variation ID: 543182). This missense change has been observed in individual(s) with clinical features of Charcot-Marie-Tooth disease (Invitae). This variant is present in population databases (rs781585447, gnomAD 0.006%). This sequence change replaces arginine, which is basic and polar, with cysteine, which is neutral and slightly polar, at codon 657 of the GARS protein (p.Arg657Cys).

Ambry Genetics
Classification: Uncertain significance. Last evaluated: 2020-03-03. Review status: criteria provided, single submitter. Criteria: Ambry Variant Classification Scheme 2023. Collection method: clinical testing. Allele origin: germline.
Comment: The p.R657C variant (also known as c.1969C>T), located in coding exon 16 of the GARS gene, results from a C to T substitution at nucleotide position 1969. The arginine at codon 657 is replaced by cysteine, an amino acid with highly dissimilar properties. This amino acid position is highly conserved in available vertebrate species. In addition, this alteration is predicted to be deleterious by in silico analysis. Since supporting evidence is limited at this time, the clinical significance of this alteration remains unclear.

NM_002047.4(GARS1):c.1969C>T (p.Arg657Cys)

Gene: GARS1 (glycyl-tRNA synthetase 1; plus strand). Cytogenetic location: 7p14.3.
Variant type: single nucleotide variant.
Coding change: c.1969C>T on transcript NM_002047.4 (MANE Select); coding-DNA position 1969, C replaced by T.
Protein change: p.Arg657Cys; replaces arginine 657 with cysteine.
Molecular consequence: missense variant.
Genome position (GRCh38, 1-based): chr7:30,632,312, C>T. VCF-style: chr7-30632312-C-T. GRCh37 (hg19) VCF-style: chr7-30671928-C-T.
Other names: c.1969C>T (LRG_243t1); c.1807C>T, p.Arg603Cys (NM_001316772.1); short protein forms R657C, R603C.
Identifiers: ClinVar variation 543182 (VCV000543182.10), dbSNP rs781585447, ClinGen allele CA4206132.
Genomic context (GRCh38, chr7:30,632,312, plus strand): 5'-GCCCTGACCAGGCATGGAGTATCTCACAAAGTAGACGATTCCTCTGGGTCAATCGGAAGG[C>T]GCTATGCCAGGACTGATGAGATTGGCGTGGCTTTTGGTGTCACCATTGACTTTGACACAG-3'
Protein context (NP_002038.2, residues 647-667): VDDSSGSIGR[Arg657Cys]YARTDEIGVA